The following is an entry in ClinVar:

NM_006922.4(SCN3A):c.1548C>A (p.Asn516Lys)

Gene: SCN3A (sodium voltage-gated channel alpha subunit 3; minus strand). Cytogenetic location: 2q24.3.
Variant type: single nucleotide variant.
Coding change: c.1548C>A on transcript NM_006922.4 (MANE Select); coding-DNA position 1548, C replaced by A.
Protein change: p.Asn516Lys; replaces asparagine 516 with lysine.
Molecular consequence: missense variant.
Genome position (GRCh38, 1-based): chr2:165,146,862, G>T on the plus strand (C>A on the coding strand, the complement: SCN3A is on the minus strand). VCF-style: chr2-165146862-G-T. GRCh37 (hg19) VCF-style: chr2-166003372-G-T.
Other names: c.1548C>A, p.Asn516Lys (NM_001081676.2, NM_001081677.2); short protein forms N516K.
Identifiers: ClinVar variation 2915137 (VCV002915137.3), dbSNP rs761889365, ClinGen allele CA60228709.

ClinVar aggregate classification (germline): Uncertain significance (1 of 4 stars; one submission).

gnomAD v4.1: 14 of 1,614,010 alleles (0.00087%); highest among the groups gnomAD compares: Non-Finnish European, 0.0012%; no homozygotes.

Submission:

Labcorp Genetics (formerly Invitae), Labcorp
Classification: Uncertain significance. Last evaluated: 2023-05-23. Review status: criteria provided, single submitter. Criteria: Invitae Variant Classification Sherloc (09022015). Collection method: clinical testing. Allele origin: germline.
Comment: In summary, the available evidence is currently insufficient to determine the role of this variant in disease. Therefore, it has been classified as a Variant of Uncertain Significance. Advanced modeling of protein sequence and biophysical properties (such as structural, functional, and spatial information, amino acid conservation, physicochemical variation, residue mobility, and thermodynamic stability) performed at Invitae indicates that this missense variant is not expected to disrupt SCN3A protein function. This variant has not been reported in the literature in individuals affected with SCN3A-related conditions. This variant is not present in population databases (gnomAD no frequency). This sequence change replaces asparagine, which is neutral and polar, with lysine, which is basic and polar, at codon 516 of the SCN3A protein (p.Asn516Lys).